The following is an entry in ClinVar:

ClinVar aggregate classification (germline): Uncertain significance (1 of 4 stars; one submission).

Submission:

Labcorp Genetics (formerly Invitae), Labcorp
Classification: Uncertain significance. Last evaluated: 2025-02-12. Review status: criteria provided, single submitter. Criteria: Invitae Variant Classification Sherloc (09022015). Collection method: clinical testing. Allele origin: germline.
Comment: This sequence change replaces glutamine, which is neutral and polar, with proline, which is neutral and non-polar, at codon 382 of the RORB protein (p.Gln382Pro). This variant is not present in population databases (gnomAD no frequency). This variant has not been reported in the literature in individuals affected with RORB-related conditions. An algorithm developed to predict the effect of missense changes on protein structure and function (PolyPhen-2) suggests that this variant is likely to be disruptive. In summary, the available evidence is currently insufficient to determine the role of this variant in disease. Therefore, it has been classified as a Variant of Uncertain Significance.

NM_006914.4(RORB):c.1145A>C (p.Gln382Pro)

Gene: RORB (RAR related orphan receptor B; plus strand). Cytogenetic location: 9q21.13.
Variant type: single nucleotide variant.
Coding change: c.1145A>C on transcript NM_006914.4 (MANE Select); coding-DNA position 1145, A replaced by C.
Protein change: p.Gln382Pro; replaces glutamine 382 with proline.
Molecular consequence: missense variant.
Genome position (GRCh38, 1-based): chr9:74,671,822, A>C. VCF-style: chr9-74671822-A-C. GRCh37 (hg19) VCF-style: chr9-77286738-A-C.
Other names: c.1178A>C, p.Gln393Pro (NM_001365023.1); short protein forms Q393P, Q382P.
Identifiers: ClinVar variation 4710180 (VCV004710180.1).